The following is an entry in ClinVar:

NM_001278064.2(GRM1):c.2746C>A (p.His916Asn)

Gene: GRM1 (glutamate metabotropic receptor 1; plus strand). Cytogenetic location: 6q24.3.
Variant type: single nucleotide variant.
Coding change: c.2746C>A on transcript NM_001278064.2 (MANE Select); coding-DNA position 2746, C replaced by A.
Protein change: p.His916Asn; replaces histidine 916 with asparagine.
Molecular consequence: missense variant. On other transcripts: 3 prime UTR variant (2).
Genome position (GRCh38, 1-based): chr6:146,433,957, C>A. VCF-style: chr6-146433957-C-A. GRCh37 (hg19) VCF-style: chr6-146755093-C-A.
Other names: c.*110C>A (NM_001278065.2); c.*75C>A (NM_001278066.1); c.2711C>A, p.Ala904Glu (NM_001278067.1); short protein forms A904E, H916N.
Identifiers: ClinVar variation 3571690 (VCV003571690.2).

ClinVar aggregate classification (germline): Uncertain significance. Review status: criteria provided, multiple submitters, no conflicts (2 of 4 stars). 2 submissions from 2 submitters: Uncertain significance (2). Last evaluated 2026-03-12.

gnomAD v4.1: 2 of 1,613,830 alleles (0.00012%); highest among the groups gnomAD compares: Non-Finnish European, 0.00017%; no homozygotes.

Submissions (2):

GeneDx
Classification: Uncertain significance. Last evaluated: 2026-03-12. Review status: criteria provided, single submitter. Criteria: GeneDx Variant Classification Process June 2021. Collection method: clinical testing. Allele origin: germline.
Comment: Not observed at significant frequency in large population cohorts (gnomAD); In silico analysis supports that this missense variant has a deleterious effect on protein structure/function; Has not been previously published as pathogenic or benign to our knowledge

Athena Diagnostics
Classification: Uncertain significance. Last evaluated: 2024-11-14. Review status: criteria provided, single submitter. Criteria: Athena Diagnostics Criteria. Collection method: clinical testing. Allele origin: unknown.
Comment: Available data are insufficient to determine the clinical significance of the variant at this time. This variant has not been reported in large, multi-ethnic general populations. Polyphen and MutationTaster yielded discordant predictions regarding whether this amino acid change is damaging to the protein.